The following is an entry in ClinVar:

ClinVar aggregate classification (germline): Uncertain significance. Review status: criteria provided, multiple submitters, no conflicts (2 of 4 stars). 2 submissions from 2 submitters: Uncertain significance (2). Last evaluated 2025-08-22.

Conditions:
Polyglucosan body myopathy type 2. Identifiers: Orphanet 456369, MedGen C4015452, MONDO:0014526, OMIM 616199.
Glycogen storage disease XV (GSD15). Also called: GLYCOGENIN DEFICIENCY; GSD XV. Identifiers: Orphanet 263297, MedGen C3150754, MONDO:0013291, OMIM 613507.
Inborn genetic diseases. Identifiers: MedGen C0950123, MeSH D030342.

gnomAD v4.1: 10 of 1,613,756 alleles (0.00062%); highest among the groups gnomAD compares: African/African-American, 0.0013%; no homozygotes.

Submissions (2):

Ambry Genetics
Classification: Uncertain significance for Inborn genetic diseases. Last evaluated: 2025-08-22. Review status: criteria provided, single submitter. Criteria: Ambry Variant Classification Scheme 2023. Collection method: clinical testing. Allele origin: germline.

Labcorp Genetics (formerly Invitae), Labcorp
Classification: Uncertain significance for Polyglucosan body myopathy type 2; Glycogen storage disease XV. Last evaluated: 2023-08-10. Review status: criteria provided, single submitter. Criteria: Invitae Variant Classification Sherloc (09022015). Collection method: clinical testing. Allele origin: germline.
Comment: This variant has not been reported in the literature in individuals affected with GYG1-related conditions. The frequency data for this variant in the population databases is considered unreliable, as metrics indicate poor data quality at this position in the gnomAD database. This sequence change replaces histidine, which is basic and polar, with arginine, which is basic and polar, at codon 151 of the GYG1 protein (p.His151Arg). In summary, the available evidence is currently insufficient to determine the role of this variant in disease. Therefore, it has been classified as a Variant of Uncertain Significance. Advanced modeling of protein sequence and biophysical properties (such as structural, functional, and spatial information, amino acid conservation, physicochemical variation, residue mobility, and thermodynamic stability) performed at Invitae indicates that this missense variant is not expected to disrupt GYG1 protein function. ClinVar contains an entry for this variant (Variation ID: 1406922).

NM_004130.4(GYG1):c.452A>G (p.His151Arg)

Gene: GYG1 (glycogenin 1; plus strand). Cytogenetic location: 3q24.
Variant type: single nucleotide variant.
Coding change: c.452A>G on transcript NM_004130.4 (MANE Select); coding-DNA position 452, A replaced by G.
Protein change: p.His151Arg; replaces histidine 151 with arginine.
Molecular consequence: missense variant.
Genome position (GRCh38, 1-based): chr3:148,996,875, A>G. VCF-style: chr3-148996875-A-G. GRCh37 (hg19) VCF-style: chr3-148714662-A-G.
Other names: c.452A>G, p.His151Arg (NM_001184720.2, NM_001184721.2); c.452A>G (NM_004130.3); short protein forms H151R.
Identifiers: ClinVar variation 1406922 (VCV001406922.8), dbSNP rs35054019, ClinGen allele CA2658560.